The following is an entry in ClinVar:

NM_000426.4(LAMA2):c.4456G>T (p.Ala1486Ser)

Gene: LAMA2 (laminin subunit alpha 2; plus strand). Cytogenetic location: 6q22.33.
Variant type: single nucleotide variant.
Coding change: c.4456G>T on transcript NM_000426.4 (MANE Select); coding-DNA position 4456, G replaced by T.
Protein change: p.Ala1486Ser; replaces alanine 1486 with serine.
Molecular consequence: missense variant.
Genome position (GRCh38, 1-based): chr6:129,349,317, G>T. VCF-style: chr6-129349317-G-T. GRCh37 (hg19) VCF-style: chr6-129670462-G-T.
Other names: c.4456G>T, p.Ala1486Ser (NM_001079823.2); short protein forms A1486S.
Identifiers: ClinVar variation 577539 (VCV000577539.6), dbSNP rs372576669, ClinGen allele CA365617323.

ClinVar aggregate classification (germline): Uncertain significance (1 of 4 stars; one submission).

Conditions:
LAMA2-related muscular dystrophy (LAMA2-RD). Also called: Laminin alpha 2-related dystrophy. Identifiers: MedGen C5679788, MONDO:0100228.

gnomAD v4.1: 2 of 1,613,188 alleles (0.00012%); highest among the groups gnomAD compares: Non-Finnish European, 0.00017%; no homozygotes.

Submission:

Labcorp Genetics (formerly Invitae), Labcorp
Classification: Uncertain significance for LAMA2-related muscular dystrophy. Last evaluated: 2022-06-04. Review status: criteria provided, single submitter. Criteria: Invitae Variant Classification Sherloc (09022015). Collection method: clinical testing. Allele origin: germline.
Comment: This sequence change replaces alanine, which is neutral and non-polar, with serine, which is neutral and polar, at codon 1486 of the LAMA2 protein (p.Ala1486Ser). This variant is not present in population databases (gnomAD no frequency). This variant has not been reported in the literature in individuals affected with LAMA2-related conditions. ClinVar contains an entry for this variant (Variation ID: 577539). Advanced modeling of protein sequence and biophysical properties (such as structural, functional, and spatial information, amino acid conservation, physicochemical variation, residue mobility, and thermodynamic stability) performed at Invitae indicates that this missense variant is not expected to disrupt LAMA2 protein function. In summary, the available evidence is currently insufficient to determine the role of this variant in disease. Therefore, it has been classified as a Variant of Uncertain Significance.